The following is an entry in ClinVar:

NM_130384.3(ATRIP):c.1504G>A (p.Ala502Thr)

Genes: ATRIP (ATR interacting protein; plus strand), ATRIP-TREX1 (ATRIP-TREX1 readthrough; plus strand). Cytogenetic location: 3p21.31.
Variant type: single nucleotide variant.
Coding change: c.1504G>A on transcript NM_130384.3 (MANE Select); coding-DNA position 1504, G replaced by A.
Protein change: p.Ala502Thr; replaces alanine 502 with threonine.
Molecular consequence: missense variant. On other transcripts: non-coding transcript variant (1).
Genome position (GRCh38, 1-based): chr3:48,460,558, G>A. VCF-style: chr3-48460558-G-A. GRCh37 (hg19) VCF-style: chr3-48501957-G-A.
Other names: c.1123G>A, p.Ala375Thr (NM_001271022.2); c.1225G>A, p.Ala409Thr (NM_001271023.2); c.1504G>A, p.Ala502Thr (NM_032166.4); short protein forms A409T, A502T, A375T.
Identifiers: ClinVar variation 3132117 (VCV003132117.2), dbSNP rs2040076298, ClinGen allele CA352725611.

ClinVar aggregate classification (germline): Uncertain significance (1 of 4 stars; one submission).

Allele frequency attached by ClinVar (database versions not stated): gnomAD exomes below 0.00001; gnomAD 0.00001.
gnomAD v4.1: 3 of 1,614,084 alleles (0.00019%); highest among the groups gnomAD compares: Non-Finnish European, 0.00025%; no homozygotes.

Submission:

Ambry Genetics
Classification: Uncertain significance. Last evaluated: 2024-12-21. Review status: criteria provided, single submitter. Criteria: Ambry Variant Classification Scheme 2023. Collection method: clinical testing. Allele origin: germline.
Comment: The p.A502T variant (also known as c.1504G>A), located in coding exon 8 of the ATRIP gene, results from a G to A substitution at nucleotide position 1504. The alanine at codon 502 is replaced by threonine, an amino acid with similar properties. This amino acid position is conserved. In addition, this alteration is predicted to be tolerated by in silico analysis. Based on the available evidence, the clinical significance of this variant remains unclear.